The following is an entry in ClinVar:

ClinVar aggregate classification (germline): Uncertain significance (1 of 4 stars; one submission).

Allele frequency attached by ClinVar (database versions not stated): gnomAD exomes below 0.00001 and 0.00001; ExAC 0.00001; ESP Exome Variant Server 0.00008.
gnomAD v4.1: 10 of 1,614,048 alleles (0.00062%); highest among the groups gnomAD compares: African/African-American, 0.0013%; no homozygotes.

Submission:

GeneDx
Classification: Uncertain significance. Last evaluated: 2019-09-12. Review status: criteria provided, single submitter. Criteria: GeneDx Variant Classification Process June 2021. Collection method: clinical testing. Allele origin: germline. Affected: yes.
Comment: Not observed at a significant frequency in large population cohorts (Lek et al., 2016); In silico analysis, which includes protein predictors and evolutionary conservation, supports that this variant does not alter protein structure/function; Has not been previously published as pathogenic or benign to our knowledge

NM_001012720.2(RGR):c.379T>A (p.Ser127Thr)

Gene: RGR (retinal G protein coupled receptor; plus strand). Cytogenetic location: 10q23.1.
Variant type: single nucleotide variant.
Coding change: c.379T>A on transcript NM_001012720.2 (MANE Select); coding-DNA position 379, T replaced by A.
Protein change: p.Ser127Thr; replaces serine 127 with threonine.
Molecular consequence: missense variant.
Genome position (GRCh38, 1-based): chr10:84,252,877, T>A. VCF-style: chr10-84252877-T-A. GRCh37 (hg19) VCF-style: chr10-86012633-T-A.
Other names: c.379T>A, p.Ser127Thr (NM_001012722.2); c.391T>A, p.Ser131Thr (NM_002921.4); short protein forms S127T, S131T.
Identifiers: ClinVar variation 1312061 (VCV001312061.2), dbSNP rs145786088, ClinGen allele CA5581425.